The following is an entry in ClinVar:

ClinVar aggregate classification (germline): Pathogenic/Likely pathogenic. Review status: criteria provided, multiple submitters, no conflicts (2 of 4 stars). 3 submissions from 3 submitters: Pathogenic (1); Likely pathogenic (1). 1 of the submissions does not count toward it. Last evaluated 2024-04-02.

Conditions:
NFIX-related disorder. Also called: NFIX-related condition.
Marshall-Smith syndrome (MRSHSS). Identifiers: Orphanet 561, MedGen C0265211, MONDO:0011244, OMIM 602535.

Submissions (3):

Blueprint Genetics
Classification: Likely pathogenic for NFIX-related disorders. Last evaluated: 2024-04-02. Review status: criteria provided, single submitter. Criteria: ACMG Guidelines, 2015. Collection method: clinical testing. Allele origin: germline. Affected: yes. Observed: 1 variant allele.

Neuberg Centre For Genomic Medicine, NCGM
Classification: Pathogenic for Marshall-Smith syndrome. Review status: criteria provided, single submitter. Criteria: ACMG Guidelines, 2015. Collection method: clinical testing. Allele origin: germline. Inheritance: Autosomal dominant inheritance. Affected: yes.
Comment: The frame shift c.1456del(p.Arg486GlyfsTer6) variant in NFIX gene has been reported in heterozygous state in individuals affected with Marshall-Smith syndrome (MRSHSS) (Schanze, Denny et al.,2014). The variant is novel (not in any individuals) in gnomAD Exomes and in 1000 Genomes. This variant is predicted to cause loss of normal protein function through protein truncation. Loss of function variants have been previously reported to be disease causing. For these reasons, this variant has been classified as Pathogenic.

OMIM
Classification: Pathogenic for MARSHALL-SMITH SYNDROME. Last evaluated: 2020-04-14. Review status: no assertion criteria provided. Collection method: literature only. Allele origin: germline. Not counted in ClinVar's aggregate classification.

Literature cited by the submitters: PubMed 24924640 (cited by OMIM).

NM_001365902.3(NFIX):c.1456del (p.Arg486fs)

Gene: NFIX (nuclear factor I X; plus strand). Cytogenetic location: 19p13.13.
Variant type: Deletion.
Coding change: c.1456del on transcript NM_001365902.3 (MANE Select); coding-DNA position 1456, one base deleted (C; older notation c.1456delC).
Protein change: p.Arg486fs; shifts the reading frame from arginine 486.
Molecular consequence: frameshift variant.
Genome position (GRCh38, 1-based): chr19:13,090,352, C deleted; the last of 4 consecutive C bases (chr19:13,090,349-13,090,352); deleting any one gives the same sequence. VCF-style (leftmost placement, unchanged base first): chr19-13090348-AC-A. GRCh37 (hg19) VCF-style: chr19-13201162-AC-A.
Other names: c.1480del, p.Arg494fs (NM_001271043.2); c.1284del, p.Thr430fs (NM_001271044.3); c.1185del, p.Thr397fs (NM_001365982.2); c.1167del, p.Thr391fs (NM_001365983.2); c.1453del, p.Arg485fs (NM_001365984.2); c.1305del, p.Thr437fs (NM_001365985.2); c.1432del, p.Arg478fs (NM_001378404.1); c.1504del, p.Arg502fs (NM_001378405.1); and 1 more; short protein forms R485fs, R494fs, T391fs, T397fs, T438fs, R502fs, T437fs, R478fs.
Identifiers: ClinVar variation 864837 (VCV000864837.2), dbSNP rs2018058219, ClinGen allele CA916083688.